The following is an entry in ClinVar:

ClinVar aggregate classification (germline): Benign/Likely benign. Review status: criteria provided, multiple submitters, no conflicts (2 of 4 stars). 4 submissions from 4 submitters: Benign (2); Likely benign (2). Last evaluated 2026-02-03.

Allele frequency attached by ClinVar (database versions not stated): gnomAD 0.00291; 1000 Genomes Project 0.00280; 1000 Genomes Project 30x 0.00344.
gnomAD v4.1: 767 of 1,178,490 alleles (0.065%); highest among the groups gnomAD compares: African/African-American, 1%; no homozygotes.

Submissions (4):

Labcorp Genetics (formerly Invitae), Labcorp
Classification: Benign. Last evaluated: 2026-02-03. Review status: criteria provided, single submitter. Criteria: Invitae Variant Classification Sherloc (09022015). Collection method: clinical testing. Allele origin: germline.

Mayo Clinic Laboratories, Mayo Clinic
Classification: Benign. Last evaluated: 2025-03-05. Review status: criteria provided, single submitter. Criteria: ACMG Guidelines, 2015. Collection method: clinical testing. Allele origin: germline. Observed: 1 variant allele.
Comment: BS1, BS2, BP4, BP7

Blueprint Genetics
Classification: Likely benign. Last evaluated: 2024-09-23. Review status: criteria provided, single submitter. Criteria: ACMG Guidelines, 2015. Collection method: clinical testing. Allele origin: germline.

CeGaT Center for Human Genetics Tuebingen
Classification: Likely benign. Last evaluated: 2023-12-01. Review status: criteria provided, single submitter. Criteria: CeGaT Center For Human Genetics Tuebingen Variant Classification Criteria Version 2. Collection method: clinical testing. Allele origin: germline. Affected: yes. Observed: 1 variant allele.
Comment: BRF1: BS1; PACS2: BP4, BP7, BS1

NM_001100913.3(PACS2):c.33C>T (p.Gly11=)

Genes: BRF1 (BRF1 general transcription factor IIIB subunit; minus strand), PACS2 (phosphofurin acidic cluster sorting protein 2; plus strand). Cytogenetic location: 14q32.33.
Variant type: single nucleotide variant.
Coding change: c.33C>T on transcript NM_001100913.3 (MANE Select); coding-DNA position 33, C replaced by T.
Protein change: p.Gly11=; no amino-acid change (glycine 11 retained).
Molecular consequence: synonymous variant. On other transcripts: intron variant (4).
Genome position (GRCh38, 1-based): chr14:105,314,951, C>T. VCF-style: chr14-105314951-C-T. GRCh37 (hg19) VCF-style: chr14-105781288-C-T.
Other names: p.Gly11=; c.33C>T, p.Gly11= (NM_015197.4); c.-162+371G>A (NM_001440451.1, NM_001242787.2, NM_001242786.2); c.-83+13972C>T (NM_001243127.3).
Identifiers: ClinVar variation 1600317 (VCV001600317.29), dbSNP rs587698346, ClinGen allele CA7388246.